The following is an entry in ClinVar:

NM_001458.5(FLNC):c.2787del (p.Val930fs)

Gene: FLNC (filamin C; plus strand). Cytogenetic location: 7q32.1.
Variant type: Deletion.
Coding change: c.2787del on transcript NM_001458.5 (MANE Select); coding-DNA position 2787, one base deleted (T; older notation c.2787delT).
Protein change: p.Val930fs; shifts the reading frame from valine 930.
Molecular consequence: frameshift variant.
Genome position (GRCh38, 1-based): chr7:128,843,553, T deleted. VCF-style (leftmost placement, unchanged base first): chr7-128843552-CT-C. GRCh37 (hg19) VCF-style: chr7-128483606-CT-C.
Other names: c.2787del, p.Val930fs (NM_001127487.2); short protein forms V930fs.
Identifiers: ClinVar variation 2945328 (VCV002945328.3), dbSNP rs2536634035, ClinGen allele CA2740097564.

ClinVar aggregate classification (germline): Pathogenic (1 of 4 stars; one submission).

Conditions:
Myofibrillar myopathy 5. Also called: Filaminopathy (type); FILAMINOPATHY, AUTOSOMAL DOMINANT. Identifiers: Orphanet 171445, MedGen C1836050, MONDO:0012289, OMIM 609524.
Hypertrophic cardiomyopathy 26. Also called: Cardiomyopathy, familial hypertrophic, 26. Identifiers: Orphanet 75249, MedGen C4310749, MONDO:0014883, OMIM 617047.
Distal myopathy with posterior leg and anterior hand involvement. Also called: WILLIAMS DISTAL MYOPATHY. Identifiers: Orphanet 63273, MedGen C3279722, MONDO:0013550, OMIM 614065.

Submission:

Labcorp Genetics (formerly Invitae), Labcorp
Classification: Pathogenic for Distal myopathy with posterior leg and anterior hand involvement; Myofibrillar myopathy 5; Hypertrophic cardiomyopathy 26. Last evaluated: 2023-03-15. Review status: criteria provided, single submitter. Criteria: Invitae Variant Classification Sherloc (09022015). Collection method: clinical testing. Allele origin: germline.
Comment: For these reasons, this variant has been classified as Pathogenic. This variant has not been reported in the literature in individuals affected with FLNC-related conditions. This variant is not present in population databases (gnomAD no frequency). This sequence change creates a premature translational stop signal (p.Val930Serfs*13) in the FLNC gene. It is expected to result in an absent or disrupted protein product. Loss-of-function variants in FLNC are known to be pathogenic (PMID: 27908349).

Literature cited by the submitters: PubMed 27908349.